The following is an entry in ClinVar:

NM_020975.6(RET):c.31C>A (p.Leu11Met)

Genes: RET (ret proto-oncogene; plus strand), LOC106736614 (RET 5' regulatory region; plus strand). Cytogenetic location: 10q11.21.
Variant type: single nucleotide variant.
Coding change: c.31C>A on transcript NM_020975.6 (MANE Select); coding-DNA position 31, C replaced by A.
Protein change: p.Leu11Met; replaces leucine 11 with methionine.
Molecular consequence: missense variant.
Genome position (GRCh38, 1-based): chr10:43,077,289, C>A. VCF-style: chr10-43077289-C-A. GRCh37 (hg19) VCF-style: chr10-43572737-C-A.
Other names: c.31C>A, p.Leu11Met (NM_000323.2, NM_001406743.1, NM_001406744.1 and 38 more transcripts); short protein forms L11M.
Identifiers: ClinVar variation 486316 (VCV000486316.23), dbSNP rs587780812, ClinGen allele CA206710333.

ClinVar aggregate classification (germline): Conflicting classifications of pathogenicity. Review status: criteria provided, conflicting classifications (1 of 4 stars). 8 submissions from 8 submitters: Uncertain significance (2); Benign (1); Likely benign (5). Last evaluated 2026-02-01.

Conditions:
Familial medullary thyroid carcinoma (MTC). Also called: Familial Medullary Thyroid Carcinoma (FMTC); Thyroid cancer, familial medullary; MTC, familial. Identifiers: Orphanet 653, Orphanet 99361, MedGen C1833921, MONDO:0007958, OMIM 155240.
Pheochromocytoma. Also called: MAX-Related Hereditary Paraganglioma-Pheochromocytoma Syndrome. Identifiers: Orphanet 29072, MedGen C0031511, MONDO:0008233, OMIM 171300, HP:0002666.
Multiple endocrine neoplasia type 2A. Also called: Multiple Endocrine Neoplasia Type 2A (MEN2A); MULTIPLE ENDOCRINE NEOPLASIA, TYPE IIA; PTC SYNDROME; SIPPLE SYNDROME; MEN 2A; MEN-2A syndrome. Identifiers: Orphanet 247698, Orphanet 653, MedGen C0025268, MeSH D018813, MONDO:0008234, OMIM 171400.
Hirschsprung disease, susceptibility to, 1 (HSCR1). Also called: RET-Related Hirschsprung Disease. Identifiers: Orphanet 388, MedGen C3888239, MONDO:0007723, OMIM 142623.
Multiple endocrine neoplasia type 2B. Also called: WAGENMANN-FROBOESE SYNDROME; MULTIPLE ENDOCRINE NEOPLASIA, TYPE III; MUCOSAL NEUROMA SYNDROME; Multiple Endocrine Neoplasia Type 2B (MEN2B); Multiple endocrine neoplasia, type 3; MULTIPLE ENDOCRINE NEOPLASIA, TYPE IIB. Identifiers: Orphanet 247709, Orphanet 653, MedGen C0025269, MeSH D018814, MONDO:0008082, OMIM 162300.
RET-related disorder. Also called: RET-related disorders; RET-related condition; RET-related disease.
Hereditary cancer-predisposing syndrome. Also called: Hereditary Cancer Syndrome; Hereditary neoplastic syndrome; Tumor predisposition; Neoplastic Syndromes, Hereditary. Identifiers: Orphanet 140162, MedGen C0027672, MeSH D009386, MONDO:0015356.
Multiple endocrine neoplasia, type 2 (MEN2). Identifiers: Orphanet 653, MedGen C4048306, MONDO:0019003. Disease mechanism: gain of function.

Allele frequency attached by ClinVar (database versions not stated): gnomAD exomes 0.00003; TOPMed 0.00023.
gnomAD v4.1: 51 of 1,509,608 alleles (0.0034%); highest among the groups gnomAD compares: African/African-American, 0.073%; no homozygotes.

Submissions (8):

Labcorp Genetics (formerly Invitae), Labcorp
Classification: Uncertain significance for Multiple endocrine neoplasia, type 2. Last evaluated: 2026-02-01. Review status: criteria provided, single submitter. Criteria: Invitae Variant Classification Sherloc (09022015). Collection method: clinical testing. Allele origin: germline.
Comment: This sequence change replaces leucine, which is neutral and non-polar, with methionine, which is neutral and non-polar, at codon 11 of the RET protein (p.Leu11Met). The frequency data for this variant in the population databases is considered unreliable, as metrics indicate poor data quality at this position in the gnomAD database. This variant has not been reported in the literature in individuals affected with RET-related conditions. ClinVar contains an entry for this variant (Variation ID: 486316). An algorithm developed to predict the effect of missense changes on protein structure and function (PolyPhen-2) suggests that this variant is likely to be tolerated. In summary, the available evidence is currently insufficient to determine the role of this variant in disease. Therefore, it has been classified as a Variant of Uncertain Significance.

PreventionGenetics, part of Exact Sciences
Classification: Likely benign for RET-related condition. Last evaluated: 2025-07-22. Review status: criteria provided, single submitter. Criteria: ACMG Guidelines, 2015. Collection method: clinical testing. Allele origin: germline.
Comment: This variant is classified as likely benign based on ACMG/AMP sequence variant interpretation guidelines (Richards et al. 2015 PMID: 25741868, with internal and published modifications).

Fulgent Genetics
Classification: Likely benign for Hirschsprung disease, susceptibility to, 1; Familial medullary thyroid carcinoma; Multiple endocrine neoplasia type 2B; Pheochromocytoma; Multiple endocrine neoplasia type 2A. Last evaluated: 2024-01-21. Review status: criteria provided, single submitter. Criteria: ACMG Guidelines, 2015. Collection method: clinical testing. Allele origin: germline.

All of Us Research Program, National Institutes of Health
Classification: Likely benign for Multiple endocrine neoplasia, type 2. Last evaluated: 2023-12-18. Review status: criteria provided, single submitter. Criteria: ACMG Guidelines, 2015. Collection method: clinical testing. Allele origin: germline. Inheritance: Autosomal dominant inheritance. Observed: 10 variant alleles, 10 heterozygotes.
Comment: This study involves interpretation of variants in research participants for the purpose of population health screening. Participant phenotype was not available at the time of variant classification. Additional details can be found in publication PMID: 35346344, PMCID: PMC8962531

Ambry Genetics
Classification: Benign for Hereditary cancer-predisposing syndrome. Last evaluated: 2023-07-26. Review status: criteria provided, single submitter. Criteria: Ambry Variant Classification Scheme 2023. Collection method: clinical testing. Allele origin: germline.

Color Diagnostics, LLC DBA Color Health
Classification: Likely benign for Multiple endocrine neoplasia, type 2. Last evaluated: 2022-09-01. Review status: criteria provided, single submitter. Criteria: ACMG Guidelines, 2015. Collection method: clinical testing. Allele origin: germline.

Sema4
Classification: Uncertain significance for Hereditary cancer-predisposing syndrome. Last evaluated: 2021-11-15. Review status: criteria provided, single submitter. Criteria: Sema4 Curation Guidelines. Collection method: curation. Allele origin: germline.
Comment: The RET c.31C>A (p.L11M) variant has not been reported in the literature to our knowledge. It was observed in 13/11598 chromosomes of the African/African American subpopulation, according to Genome Aggregation Database. The variant has been reported in ClinVar (Variation ID 486316). In silico tools suggest the impact of the variant on protein function is inconclusive, though these predictions have not been confirmed by functional studies. The evidence is insufficient to meet ACMG/AMP criteria for classifying the variant as benign or pathogenic. Thus, the clinical significance of this variant is currently uncertain.

Genetic Services Laboratory, University of Chicago
Classification: Likely benign. Last evaluated: 2018-04-24. Review status: criteria provided, single submitter. Criteria: ACMG Guidelines, 2015. Collection method: clinical testing. Allele origin: germline. Affected: no.